The following is an entry in ClinVar:

ClinVar aggregate classification (germline): Pathogenic (1 of 4 stars; one submission).

Conditions:
Charcot-Marie-Tooth disease, type I (CMT1). Also called: Charcot-Marie-Tooth, Type 1; Charcot-Marie-Tooth disease type 1. Identifiers: Orphanet 65753, MedGen C0751036, MONDO:0019011.

Submission:

Labcorp Genetics (formerly Invitae), Labcorp
Classification: Pathogenic for Charcot-Marie-Tooth disease, type I. Last evaluated: 2020-02-05. Review status: criteria provided, single submitter. Criteria: Invitae Variant Classification Sherloc (09022015). Collection method: clinical testing. Allele origin: germline.
Comment: This variant is a gross duplication of the genomic region encompassing exons 2-5 of the PMP22 gene. This assay only includes exons 2-5 of PMP22, which covers the entire coding sequence. Therefore, it is assumed that the entire gene is duplicated. Duplications of the region on chromosome 17p11.2 which contain the PMP22 gene cause Charcot-Marie-Tooth type 1A (CMT1A) (PMID: 1677316, 1822787). These reported duplications have been shown to lead to increased gene dosage as the functional defect in patients with CMT1A (PMID: 1303230). For these reasons, this variant has been classified as Pathogenic.

Literature cited by the submitters: PubMed 1677316; PubMed 1822787; PubMed 1303230.

NC_000017.10:g.(?_15133084)_(15164054_?)dup

Gene: PMP22 (peripheral myelin protein 22; minus strand). Cytogenetic location: 17p12.
Variant type: Duplication.
Identifiers: ClinVar variation 1454856 (VCV001454856.1).